The following is an entry in ClinVar:

ClinVar aggregate classification (germline): Uncertain significance. Review status: criteria provided, multiple submitters, no conflicts (2 of 4 stars). 3 submissions from 3 submitters: Uncertain significance (3). Last evaluated 2023-03-15.

Conditions:
Inborn genetic diseases. Identifiers: MedGen C0950123, MeSH D030342.
Dyskeratosis congenita, autosomal dominant 6 (DKCA6). Identifiers: Orphanet 3322, MedGen C4225284, MONDO:0014690, OMIM 616553.

Allele frequency attached by ClinVar (database versions not stated): gnomAD exomes below 0.00001; ExAC 0.00001; gnomAD 0.00001.

Submissions (3):

Ambry Genetics
Classification: Uncertain significance for Inborn genetic diseases. Last evaluated: 2023-03-15. Review status: criteria provided, single submitter. Criteria: Ambry Variant Classification Scheme 2023. Collection method: clinical testing. Allele origin: germline.
Comment: The p.H151R variant (also known as c.452A>G), located in coding exon 2 of the ACD gene, results from an A to G substitution at nucleotide position 452. The histidine at codon 151 is replaced by arginine, an amino acid with highly similar properties. This amino acid position is conserved. In addition, this alteration is predicted to be tolerated by in silico analysis. Since supporting evidence is limited at this time, the clinical significance of this alteration remains unclear.

Labcorp Genetics (formerly Invitae), Labcorp
Classification: Uncertain significance for Dyskeratosis congenita, autosomal dominant 6. Last evaluated: 2022-09-13. Review status: criteria provided, single submitter. Criteria: Invitae Variant Classification Sherloc (09022015). Collection method: clinical testing. Allele origin: germline.
Comment: This sequence change replaces histidine, which is basic and polar, with arginine, which is basic and polar, at codon 151 of the ACD protein (p.His151Arg). This variant is present in population databases (rs757097343, gnomAD 0.003%). This variant has not been reported in the literature in individuals affected with ACD-related conditions. Advanced modeling of protein sequence and biophysical properties (such as structural, functional, and spatial information, amino acid conservation, physicochemical variation, residue mobility, and thermodynamic stability) performed at Invitae indicates that this missense variant is expected to disrupt ACD protein function. In summary, the available evidence is currently insufficient to determine the role of this variant in disease. Therefore, it has been classified as a Variant of Uncertain Significance.

Blueprint Genetics
Classification: Uncertain significance. Last evaluated: 2022-02-28. Review status: criteria provided, single submitter. Criteria: ACMG Guidelines, 2015. Collection method: clinical testing. Allele origin: germline.

NM_001082486.2(ACD):c.194A>G (p.His65Arg)

Gene: ACD (ACD shelterin complex subunit and telomerase recruitment factor; minus strand). Cytogenetic location: 16q22.1.
Variant type: single nucleotide variant.
Coding change: c.194A>G on transcript NM_001082486.2 (MANE Select); coding-DNA position 194, A replaced by G.
Protein change: p.His65Arg; replaces histidine 65 with arginine.
Molecular consequence: missense variant.
Genome position (GRCh38, 1-based): chr16:67,659,951, T>C on the plus strand (A>G on the coding strand, the complement: ACD is on the minus strand). VCF-style: chr16-67659951-T-C. GRCh37 (hg19) VCF-style: chr16-67693854-T-C.
Other names: c.194A>G, p.His65Arg (NM_001410884.1); c.185A>G, p.His62Arg (NM_022914.3); c.452A>G (NM_001082486.1); short protein forms H62R, H65R.
Identifiers: ClinVar variation 2108998 (VCV002108998.7), dbSNP rs757097343, ClinGen allele CA8114793.